The following is an entry in ClinVar:

NM_004369.4(COL6A3):c.290G>A (p.Arg97His)

Gene: COL6A3 (collagen type VI alpha 3 chain; minus strand). Cytogenetic location: 2q37.3.
Variant type: single nucleotide variant.
Coding change: c.290G>A on transcript NM_004369.4 (MANE Select); coding-DNA position 290, G replaced by A.
Protein change: p.Arg97His; replaces arginine 97 with histidine.
Molecular consequence: missense variant. On other transcripts: intron variant (4).
Genome position (GRCh38, 1-based): chr2:237,395,006, C>T on the plus strand (G>A on the coding strand, the complement: COL6A3 is on the minus strand). VCF-style: chr2-237395006-C-T. GRCh37 (hg19) VCF-style: chr2-238303649-C-T.
Other names: c.91+1721G>A (NM_057166.5, NM_057167.4, NM_057164.5 and 1 more transcripts); short protein forms R97H.
Identifiers: ClinVar variation 281850 (VCV000281850.18), dbSNP rs201249839, ClinGen allele CA2189895.

ClinVar aggregate classification (germline): Conflicting classifications of pathogenicity. Review status: criteria provided, conflicting classifications (1 of 4 stars). 5 submissions from 5 submitters: Uncertain significance (3); Likely benign (2). Last evaluated 2025-11-25.

Conditions:
Bethlem myopathy 1A. Also called: Bethlem myopathy 1; MYOPATHY, BENIGN CONGENITAL, WITH CONTRACTURES; Bethlem Muscular Dystrophy. Identifiers: Orphanet 610, MedGen CN029274, MONDO:0024530, OMIM 158810.
Inborn genetic diseases. Identifiers: MedGen C0950123, MeSH D030342.

Allele frequency attached by ClinVar (database versions not stated): gnomAD 0.00001; TOPMed 0.00001; ExAC 0.00002; gnomAD exomes 0.00002; ESP Exome Variant Server 0.00008; 1000 Genomes Project 30x 0.00016; 1000 Genomes Project 0.00020.
gnomAD v4.1: 33 of 1,614,092 alleles (0.002%); highest among the groups gnomAD compares: Non-Finnish European, 0.0024%; no homozygotes.

Submissions (5):

Labcorp Genetics (formerly Invitae), Labcorp
Classification: Likely benign for Bethlem myopathy 1A. Last evaluated: 2025-11-25. Review status: criteria provided, single submitter. Criteria: Invitae Variant Classification Sherloc (09022015). Collection method: clinical testing. Allele origin: germline.

Ambry Genetics
Classification: Likely benign for Inborn genetic diseases. Last evaluated: 2021-07-16. Review status: criteria provided, single submitter. Criteria: Ambry Variant Classification Scheme 2023. Collection method: clinical testing. Allele origin: germline.

GeneDx
Classification: Uncertain significance. Last evaluated: 2020-11-03. Review status: criteria provided, single submitter. Criteria: GeneDx Variant Classification (06012015). Collection method: clinical testing. Allele origin: germline. Affected: yes.
Comment: Not observed at a significant frequency in large population cohorts (Lek et al., 2016); In silico analysis supports that this missense variant does not alter protein structure/function; Has not been previously published as pathogenic or benign to our knowledge This variant is associated with the following publications: (PMID: 30564623, 23303603)

Revvity Omics, Revvity
Classification: Uncertain significance. Last evaluated: 2019-03-27. Review status: criteria provided, single submitter. Criteria: ACMG Guidelines, 2015. Collection method: clinical testing. Allele origin: germline.

Eurofins Ntd Llc (ga)
Classification: Uncertain significance. Last evaluated: 2015-07-23. Review status: criteria provided, single submitter. Criteria: EGL Classification Definitions 2015. Collection method: clinical testing. Allele origin: germline. Observed: 2 variant alleles, 2 heterozygotes.